The following is an entry in ClinVar:

NM_001182.5(ALDH7A1):c.1017T>C (p.His339=)

Gene: ALDH7A1 (aldehyde dehydrogenase 7 family member A1; minus strand). Cytogenetic location: 5q23.2.
Variant type: single nucleotide variant.
Coding change: c.1017T>C on transcript NM_001182.5 (MANE Select); coding-DNA position 1017, T replaced by C.
Protein change: p.His339=; no amino-acid change (histidine 339 retained).
Molecular consequence: synonymous variant. On other transcripts: intron variant (1).
Genome position (GRCh38, 1-based): chr5:126,556,007, A>G on the plus strand (T>C on the coding strand, the complement: ALDH7A1 is on the minus strand). VCF-style: chr5-126556007-A-G. GRCh37 (hg19) VCF-style: chr5-125891699-A-G.
Other names: c.933T>C, p.His311= (NM_001201377.2); c.1008+3233T>C (NM_001202404.2).
Identifiers: ClinVar variation 512385 (VCV000512385.29), dbSNP rs200394848, ClinGen allele CA3389555.

ClinVar aggregate classification (germline): Conflicting classifications of pathogenicity. Review status: criteria provided, conflicting classifications (1 of 4 stars). 8 submissions from 8 submitters: Uncertain significance (2); Likely benign (5). 1 of the submissions does not count toward it. Last evaluated 2026-02-01.

Conditions:
Inborn genetic diseases. Identifiers: MedGen C0950123, MeSH D030342.
Pyridoxine-dependent epilepsy (EPEO4). Also called: EPILEPSY, EARLY-ONSET, 4, VITAMIN B6-DEPENDENT; Pyridoxine-Dependent Epilepsy - ALDH7A1; Pyridoxine-Dependent Seizures; PYRIDOXINE DEPENDENCY WITH SEIZURES. Identifiers: Orphanet 3006, MedGen C1849508, MONDO:0009945, OMIM 266100. Disease mechanism: loss of function.
ALDH7A1-related disorder. Also called: ALDH7A1-related condition.

Allele frequency attached by ClinVar (database versions not stated): TOPMed 0.00002; gnomAD 0.00003 and 0.00004; gnomAD exomes 0.00006 and 0.00009; ExAC 0.00013; 1000 Genomes Project 30x 0.00016; 1000 Genomes Project 0.00020.
gnomAD v4.1: 90 of 1,612,562 alleles (0.0056%); highest among the groups gnomAD compares: Middle Eastern, 0.017%; no homozygotes.

Submissions (8):

CeGaT Center for Human Genetics Tuebingen
Classification: Likely benign. Last evaluated: 2026-02-01. Review status: criteria provided, single submitter. Criteria: CeGaT Center For Human Genetics Tuebingen Variant Classification Criteria Version 2. Collection method: clinical testing. Allele origin: germline. Affected: yes. Observed: 1 variant allele.
Comment: ALDH7A1: BP4, BP7

Labcorp Genetics (formerly Invitae), Labcorp
Classification: Likely benign for Pyridoxine-dependent epilepsy. Last evaluated: 2026-01-27. Review status: criteria provided, single submitter. Criteria: Invitae Variant Classification Sherloc (09022015). Collection method: clinical testing. Allele origin: germline.

Blueprint Genetics
Classification: Likely benign. Last evaluated: 2024-07-18. Review status: criteria provided, single submitter. Criteria: ACMG Guidelines, 2015. Collection method: clinical testing. Allele origin: germline.

Ambry Genetics
Classification: Likely benign for Inborn genetic diseases. Last evaluated: 2018-09-05. Review status: criteria provided, single submitter. Criteria: Ambry Variant Classification Scheme 2023. Collection method: clinical testing. Allele origin: germline.

Eurofins Ntd Llc (ga)
Classification: Uncertain significance. Last evaluated: 2018-06-27. Review status: criteria provided, single submitter. Criteria: EGL ClinVar v180209 classification definitions. Collection method: clinical testing. Allele origin: germline. Observed: 1 variant allele, 1 heterozygote.

Illumina Laboratory Services, Illumina
Classification: Uncertain significance for Pyridoxine-dependent epilepsy. Last evaluated: 2018-01-12. Review status: criteria provided, single submitter. Criteria: ICSL Variant Classification Criteria 13 December 2019. Collection method: clinical testing. Allele origin: germline.

GeneDx
Classification: Likely benign. Last evaluated: 2017-09-27. Review status: criteria provided, single submitter. Criteria: GeneDx Variant Classification (06012015). Collection method: clinical testing. Allele origin: germline. Affected: yes.
Comment: This variant is considered likely benign or benign based on one or more of the following criteria: it is a conservative change, it occurs at a poorly conserved position in the protein, it is predicted to be benign by multiple in silico algorithms, and/or has population frequency not consistent with disease.

PreventionGenetics, part of Exact Sciences
Classification: Likely benign for ALDH7A1-related condition. Last evaluated: 2024-08-14. Review status: no assertion criteria provided. Collection method: clinical testing. Allele origin: germline. Not counted in ClinVar's aggregate classification.
Comment: This variant is classified as likely benign based on ACMG/AMP sequence variant interpretation guidelines (Richards et al. 2015 PMID: 25741868, with internal and published modifications).